The following is an entry in ClinVar:

NM_006648.4(WNK2):c.5632T>C (p.Ser1878Pro)

Gene: WNK2 (WNK lysine deficient protein kinase 2; plus strand). Cytogenetic location: 9q22.31.
Variant type: single nucleotide variant.
Coding change: c.5632T>C on transcript NM_006648.4 (MANE Select); coding-DNA position 5632, T replaced by C.
Protein change: p.Ser1878Pro; replaces serine 1878 with proline.
Molecular consequence: missense variant.
Genome position (GRCh38, 1-based): chr9:93,293,097, T>C. VCF-style: chr9-93293097-T-C. GRCh37 (hg19) VCF-style: chr9-96055379-T-C.
Other names: c.5743T>C, p.Ser1915Pro (NM_001282394.3); short protein forms S1878P, S1915P.
Identifiers: ClinVar variation 4866643 (VCV004866643.1).

ClinVar aggregate classification (germline): Uncertain significance (1 of 4 stars; one submission).

gnomAD v4.1: 1 of 1,603,992 alleles (0.000062%); highest among the groups gnomAD compares: Non-Finnish European, 0.000085%; no homozygotes.

Submission:

Ambry Genetics
Classification: Uncertain significance. Last evaluated: 2026-05-03. Review status: criteria provided, single submitter. Criteria: Ambry Variant Classification Scheme 2023. Collection method: clinical testing. Allele origin: germline.
Comment: The p.S1878P variant (also known as c.5632T>C), located in coding exon 22 of the WNK2 gene, results from a T to C substitution at nucleotide position 5632. The serine at codon 1878 is replaced by proline, an amino acid with similar properties. This amino acid position is conserved. In addition, this alteration is predicted to be deleterious by in silico analysis. Based on the available evidence, the clinical significance of this variant remains unclear.